The following is an entry in ClinVar:

ClinVar aggregate classification (germline): Uncertain significance (1 of 4 stars; one submission).

Submission:

Labcorp Genetics (formerly Invitae), Labcorp
Classification: Uncertain significance. Last evaluated: 2022-08-31. Review status: criteria provided, single submitter. Criteria: Invitae Variant Classification Sherloc (09022015). Collection method: clinical testing. Allele origin: germline.
Comment: This sequence change replaces cysteine, which is neutral and slightly polar, with arginine, which is basic and polar, at codon 596 of the SLC26A3 protein (p.Cys596Arg). This variant is present in population databases (rs201220816, gnomAD 0.02%). This variant has not been reported in the literature in individuals affected with SLC26A3-related conditions. ClinVar contains an entry for this variant (Variation ID: 1474056). Advanced modeling of protein sequence and biophysical properties (such as structural, functional, and spatial information, amino acid conservation, physicochemical variation, residue mobility, and thermodynamic stability) performed at Invitae indicates that this missense variant is not expected to disrupt SLC26A3 protein function. In summary, the available evidence is currently insufficient to determine the role of this variant in disease. Therefore, it has been classified as a Variant of Uncertain Significance.

NM_000111.3(SLC26A3):c.1786T>C (p.Cys596Arg)

Gene: SLC26A3 (solute carrier family 26 member 3; minus strand). Cytogenetic location: 7q22.3.
Variant type: single nucleotide variant.
Coding change: c.1786T>C on transcript NM_000111.3 (MANE Select); coding-DNA position 1786, T replaced by C.
Protein change: p.Cys596Arg; replaces cysteine 596 with arginine.
Molecular consequence: missense variant.
Genome position (GRCh38, 1-based): chr7:107,774,141, A>G on the plus strand (T>C on the coding strand, the complement: SLC26A3 is on the minus strand). VCF-style: chr7-107774141-A-G. GRCh37 (hg19) VCF-style: chr7-107414586-A-G.
Other names: short protein forms C596R.
Identifiers: ClinVar variation 1474056 (VCV001474056.3), dbSNP rs201220816, ClinGen allele CA4433687.
Genomic context (GRCh38, chr7:107,774,141, plus strand): 5'-GTACTTCTATCTGATTGTTGTCCAGCTCTTCGTCAGAATCTTTTATGGTGTCAACAGTAC[A>G]TATAAATCCTTTCTGCAGGAGAGGATAACAAGTATGAAAACTGTGACCAAGAAAAACATT-3'
Protein context (NP_000102.1, residues 586-606): LLQVTPKGFI[Cys596Arg]TVDTIKDSDE